The following is an entry in ClinVar:

NM_201384.3(PLEC):c.8395C>T (p.Arg2799Trp)

Gene: PLEC (plectin; minus strand). Cytogenetic location: 8q24.3.
Variant type: single nucleotide variant.
Coding change: c.8395C>T on transcript NM_201384.3 (MANE Select); coding-DNA position 8395, C replaced by T.
Protein change: p.Arg2799Trp; replaces arginine 2799 with tryptophan.
Molecular consequence: missense variant.
Genome position (GRCh38, 1-based): chr8:143,921,426, G>A on the plus strand (C>T on the coding strand, the complement: PLEC is on the minus strand). VCF-style: chr8-143921426-G-A. GRCh37 (hg19) VCF-style: chr8-144995594-G-A.
Other names: c.8395C>T, p.Arg2799Trp (NM_201382.4); c.8407C>T, p.Arg2803Trp (NM_201383.3); c.8476C>T, p.Arg2826Trp (NM_000445.5); c.8353C>T, p.Arg2785Trp (NM_201378.4); c.8329C>T, p.Arg2777Trp (NM_201379.3); c.8806C>T, p.Arg2936Trp (NM_201380.4); c.8299C>T, p.Arg2767Trp (NM_201381.3); short protein forms R2803W, R2826W, R2767W, R2777W, R2799W, R2936W, R2785W.
Identifiers: ClinVar variation 1363190 (VCV001363190.6), dbSNP rs561686703, ClinGen allele CA4925332.

ClinVar aggregate classification (germline): Uncertain significance (1 of 4 stars; one submission).

Conditions:
Epidermolysis bullosa simplex 5B, with muscular dystrophy (EBS5B). Also called: Epidermolysis bullosa simplex with muscular dystrophy; EPIDERMOLYSIS BULLOSA SIMPLEX AND LIMB-GIRDLE MUSCULAR DYSTROPHY. Identifiers: Orphanet 257, MedGen C2931072, MONDO:0009181, OMIM 226670.
Epidermolysis bullosa simplex 5C, with pyloric atresia (EBS5C). Also called: Epidermolysis bullosa simplex with pyloric atresia; PLEC-Related Epidermolysis Bullosa with Pyloric Atresia; PLEC1-Related Epidermolysis Bullosa with Pyloric Atresia. Identifiers: Orphanet 158684, MedGen C2677349, MONDO:0012807, OMIM 612138.
Epidermolysis bullosa simplex with nail dystrophy (EBS5D). Identifiers: MedGen C4225309, MONDO:0014661, OMIM 616487.
Autosomal recessive limb-girdle muscular dystrophy type 2Q (LGMDR17). Also called: MUSCULAR DYSTROPHY, LIMB-GIRDLE, AUTOSOMAL RECESSIVE 17. Identifiers: Orphanet 254361, MedGen C3150989, MONDO:0013390, OMIM 613723.
Epidermolysis bullosa simplex, Ogna type (EBS5A). Also called: Pidermolysis bullosa simplex 5A, Ogna type; EPIDERMOLYSIS BULLOSA SIMPLEX 5A, OGNA TYPE. Identifiers: Orphanet 79401, MedGen C0432317, MONDO:0007555, OMIM 131950.

Allele frequency attached by ClinVar (database versions not stated): ExAC 0.00001; gnomAD 0.00001; TOPMed 0.00001; gnomAD exomes 0.00002; 1000 Genomes Project 30x 0.00016; 1000 Genomes Project 0.00020.
gnomAD v4.1: 12 of 1,613,390 alleles (0.00074%); highest among the groups gnomAD compares: East Asian, 0.013%; no homozygotes.

Submission:

Labcorp Genetics (formerly Invitae), Labcorp
Classification: Uncertain significance for Autosomal recessive limb-girdle muscular dystrophy type 2Q; Epidermolysis bullosa simplex, Ogna type; Epidermolysis bullosa simplex with nail dystrophy; Epidermolysis bullosa simplex 5C, with pyloric atresia; Epidermolysis bullosa simplex 5B, with muscular dystrophy. Last evaluated: 2024-06-04. Review status: criteria provided, single submitter. Criteria: Invitae Variant Classification Sherloc (09022015). Collection method: clinical testing. Allele origin: germline.
Comment: This sequence change replaces arginine, which is basic and polar, with tryptophan, which is neutral and slightly polar, at codon 2826 of the PLEC protein (p.Arg2826Trp). This variant is present in population databases (rs561686703, gnomAD 0.03%). This variant has not been reported in the literature in individuals affected with PLEC-related conditions. ClinVar contains an entry for this variant (Variation ID: 1363190). An algorithm developed to predict the effect of missense changes on protein structure and function (PolyPhen-2) suggests that this variant is likely to be disruptive. In summary, the available evidence is currently insufficient to determine the role of this variant in disease. Therefore, it has been classified as a Variant of Uncertain Significance.